The following is an entry in ClinVar:

ClinVar aggregate classification (germline): Uncertain significance (1 of 4 stars; one submission).

Conditions:
Ichthyosis linearis circumflexa. Identifiers: MedGen C0265962, MONDO:0043106, HP:0025810.

gnomAD v4.1: 2 of 1,614,032 alleles (0.00012%); highest among the groups gnomAD compares: African/African-American, 0.0013%; no homozygotes.

Submission:

Labcorp Genetics (formerly Invitae), Labcorp
Classification: Uncertain significance for Ichthyosis linearis circumflexa. Last evaluated: 2022-05-13. Review status: criteria provided, single submitter. Criteria: Invitae Variant Classification Sherloc (09022015). Collection method: clinical testing. Allele origin: germline.
Comment: In summary, the available evidence is currently insufficient to determine the role of this variant in disease. Therefore, it has been classified as a Variant of Uncertain Significance. Variants that disrupt the consensus splice site are a relatively common cause of aberrant splicing (PMID: 17576681, 9536098). Algorithms developed to predict the effect of sequence changes on RNA splicing suggest that this variant is not likely to affect RNA splicing. This variant has not been reported in the literature in individuals affected with SPINK5-related conditions. This variant is not present in population databases (gnomAD no frequency). This sequence change falls in intron 22 of the SPINK5 gene. It does not directly change the encoded amino acid sequence of the SPINK5 protein. It affects a nucleotide within the consensus splice site.

Literature cited by the submitters: PubMed 17576681; PubMed 9536098.

NM_006846.4(SPINK5):c.2113-3C>T

Gene: SPINK5 (serine peptidase inhibitor Kazal type 5; plus strand). Cytogenetic location: 5q32.
Variant type: single nucleotide variant.
Coding change: c.2113-3C>T on transcript NM_006846.4 (MANE Select); 3 bases into the intron before coding-DNA position 2113, C replaced by T.
Molecular consequence: intron variant.
Genome position (GRCh38, 1-based): chr5:148,118,434, C>T. VCF-style: chr5-148118434-C-T. GRCh37 (hg19) VCF-style: chr5-147497997-C-T.
Other names: c.2113-3C>T (NM_001127698.2, NM_001127699.2).
Identifiers: ClinVar variation 1474128 (VCV001474128.6), dbSNP rs987612777, ClinGen allele CA128935256.